The following is an entry in ClinVar:

ClinVar aggregate classification (germline): Uncertain significance (1 of 4 stars; one submission).

Conditions:
Early-infantile DEE. Also called: Early infantile epileptic encephalopathy; Ohtahara syndrome; Early infantile epileptic encephalopathy with suppression bursts. Identifiers: Orphanet 1934, MedGen C0393706, MONDO:0800491.

gnomAD v4.1: 1 of 1,613,974 alleles (0.000062%); no homozygotes.

Submission:

Labcorp Genetics (formerly Invitae), Labcorp
Classification: Uncertain significance for Early-infantile DEE. Last evaluated: 2022-07-06. Review status: criteria provided, single submitter. Criteria: Invitae Variant Classification Sherloc (09022015). Collection method: clinical testing. Allele origin: germline.
Comment: This variant is not present in population databases (gnomAD no frequency). In summary, the available evidence is currently insufficient to determine the role of this variant in disease. Therefore, it has been classified as a Variant of Uncertain Significance. Variants that disrupt the consensus splice site are a relatively common cause of aberrant splicing (PMID: 17576681, 9536098). Algorithms developed to predict the effect of sequence changes on RNA splicing suggest that this variant may create or strengthen a splice site. ClinVar contains an entry for this variant (Variation ID: 1400367). This variant has not been reported in the literature in individuals affected with SPTAN1-related conditions. This sequence change falls in intron 11 of the SPTAN1 gene. It does not directly change the encoded amino acid sequence of the SPTAN1 protein. It affects a nucleotide within the consensus splice site.

Literature cited by the submitters: PubMed 17576681; PubMed 9536098.

NM_001130438.3(SPTAN1):c.1461+4A>G

Gene: SPTAN1 (spectrin alpha, non-erythrocytic 1; plus strand). Cytogenetic location: 9q34.11.
Variant type: single nucleotide variant.
Coding change: c.1461+4A>G on transcript NM_001130438.3 (MANE Select); 4 bases into the intron after coding-DNA position 1461, A replaced by G.
Molecular consequence: intron variant.
Genome position (GRCh38, 1-based): chr9:128,581,063, A>G. VCF-style: chr9-128581063-A-G. GRCh37 (hg19) VCF-style: chr9-131343342-A-G.
Other names: c.1497+4A>G (NM_001375318.1, NM_001375312.2); c.1461+4A>G (NM_001375311.2, NM_001375314.2, NM_001375310.1 and 5 more transcripts).
Identifiers: ClinVar variation 1400367 (VCV001400367.7), dbSNP rs1851880743, ClinGen allele CA1880355753.